The following is an entry in ClinVar:

NM_001384732.1(CPLANE1):c.3450C>T (p.Phe1150=)

Gene: CPLANE1 (ciliogenesis and planar polarity effector complex subunit 1; minus strand). Cytogenetic location: 5p13.2.
Variant type: single nucleotide variant.
Coding change: c.3450C>T on transcript NM_001384732.1 (MANE Select); coding-DNA position 3450, C replaced by T.
Protein change: p.Phe1150=; no amino-acid change (phenylalanine 1150 retained).
Molecular consequence: synonymous variant.
Genome position (GRCh38, 1-based): chr5:37,201,648, G>A on the plus strand (C>T on the coding strand, the complement: CPLANE1 is on the minus strand). VCF-style: chr5-37201648-G-A. GRCh37 (hg19) VCF-style: chr5-37201750-G-A.
Other names: c.3450C>T, p.Phe1150= (NM_023073.4).
Identifiers: ClinVar variation 353455 (VCV000353455.15), dbSNP rs200449169, ClinGen allele CA3238946.

ClinVar aggregate classification (germline): Conflicting classifications of pathogenicity. Review status: criteria provided, conflicting classifications (1 of 4 stars). 4 submissions from 4 submitters: Uncertain significance (1); Likely benign (3). Last evaluated 2026-04-01.

Conditions:
Joubert syndrome 17 (JBTS17). Identifiers: Orphanet 475, MedGen C3553264, MONDO:0013824, OMIM 614615.

Allele frequency attached by ClinVar (database versions not stated): ExAC 0.00002; gnomAD 0.00002; gnomAD exomes 0.00002; TOPMed 0.00002.
gnomAD v4.1: 38 of 1,614,038 alleles (0.0024%); highest among the groups gnomAD compares: South Asian, 0.0077%; no homozygotes.

Submissions (4):

CeGaT Center for Human Genetics Tuebingen
Classification: Likely benign. Last evaluated: 2026-04-01. Review status: criteria provided, single submitter. Criteria: CeGaT Center For Human Genetics Tuebingen Variant Classification Criteria Version 2. Collection method: clinical testing. Allele origin: germline. Affected: yes. Observed: 1 variant allele.
Comment: CPLANE1: BP4, BP7

Labcorp Genetics (formerly Invitae), Labcorp
Classification: Likely benign. Last evaluated: 2026-01-13. Review status: criteria provided, single submitter. Criteria: Invitae Variant Classification Sherloc (09022015). Collection method: clinical testing. Allele origin: germline.

Blueprint Genetics
Classification: Likely benign. Last evaluated: 2021-06-24. Review status: criteria provided, single submitter. Criteria: ACMG Guidelines, 2015. Collection method: clinical testing. Allele origin: germline.

Illumina Laboratory Services, Illumina
Classification: Uncertain significance for Joubert syndrome 17. Last evaluated: 2018-01-12. Review status: criteria provided, single submitter. Criteria: ICSL Variant Classification Criteria 13 December 2019. Collection method: clinical testing. Allele origin: germline.